The following is an entry in ClinVar:

ClinVar aggregate classification (germline): Uncertain significance (1 of 4 stars; one submission).

Conditions:
MOGS-congenital disorder of glycosylation. Also called: CDG IIb; GLUCOSIDASE I DEFICIENCY; CDG 2B; MOGS-CDG. Identifiers: Orphanet 79330, MedGen C1853736, MONDO:0011629, OMIM 606056.

Submission:

Labcorp Genetics (formerly Invitae), Labcorp
Classification: Uncertain significance for MOGS-congenital disorder of glycosylation. Last evaluated: 2023-04-10. Review status: criteria provided, single submitter. Criteria: Invitae Variant Classification Sherloc (09022015). Collection method: clinical testing. Allele origin: germline.
Comment: In summary, the available evidence is currently insufficient to determine the role of this variant in disease. Therefore, it has been classified as a Variant of Uncertain Significance. This sequence change replaces valine, which is neutral and non-polar, with leucine, which is neutral and non-polar, at codon 432 of the MOGS protein (p.Val432Leu). This variant is not present in population databases (gnomAD no frequency). This variant has not been reported in the literature in individuals affected with MOGS-related conditions. Advanced modeling of protein sequence and biophysical properties (such as structural, functional, and spatial information, amino acid conservation, physicochemical variation, residue mobility, and thermodynamic stability) performed at Invitae indicates that this missense variant is not expected to disrupt MOGS protein function.

NM_006302.3(MOGS):c.1294G>T (p.Val432Leu)

Gene: MOGS (mannosyl-oligosaccharide glucosidase; minus strand). Cytogenetic location: 2p13.1.
Variant type: single nucleotide variant.
Coding change: c.1294G>T on transcript NM_006302.3 (MANE Select); coding-DNA position 1294, G replaced by T.
Protein change: p.Val432Leu; replaces valine 432 with leucine.
Molecular consequence: missense variant.
Genome position (GRCh38, 1-based): chr2:74,462,495, C>A on the plus strand (G>T on the coding strand, the complement: MOGS is on the minus strand). VCF-style: chr2-74462495-C-A. GRCh37 (hg19) VCF-style: chr2-74689622-C-A.
Other names: c.976G>T, p.Val326Leu (NM_001146158.2); short protein forms V432L, V326L.
Identifiers: ClinVar variation 2960700 (VCV002960700.3), dbSNP rs552488837, ClinGen allele CA347373522.